The following is an entry in ClinVar:

ClinVar aggregate classification (germline): Likely benign. Review status: criteria provided, multiple submitters, no conflicts (2 of 4 stars). 3 submissions from 3 submitters: Likely benign (2). 1 of the submissions does not count toward it. Last evaluated 2025-12-06.

Conditions:
ZNF341-related disorder. Also called: ZNF341-related condition.

Allele frequency attached by ClinVar (database versions not stated): TOPMed 0.00004; gnomAD exomes 0.00005 and 0.00006; ExAC 0.00006; gnomAD 0.00007; ESP Exome Variant Server 0.00015.
gnomAD v4.1: 102 of 1,612,320 alleles (0.0063%); highest among the groups gnomAD compares: Non-Finnish European, 0.0079%; no homozygotes.

Submissions (3):

Labcorp Genetics (formerly Invitae), Labcorp
Classification: Likely benign. Last evaluated: 2025-12-06. Review status: criteria provided, single submitter. Criteria: Invitae Variant Classification Sherloc (09022015). Collection method: clinical testing. Allele origin: germline.

CeGaT Center for Human Genetics Tuebingen
Classification: Likely benign. Last evaluated: 2024-12-01. Review status: criteria provided, single submitter. Criteria: CeGaT Center For Human Genetics Tuebingen Variant Classification Criteria Version 2. Collection method: clinical testing. Allele origin: germline. Affected: yes. Observed: 1 variant allele.
Comment: ZNF341: BP4, BP7

PreventionGenetics, part of Exact Sciences
Classification: Likely benign for ZNF341-related condition. Last evaluated: 2023-10-26. Review status: no assertion criteria provided. Collection method: clinical testing. Allele origin: germline. Not counted in ClinVar's aggregate classification.
Comment: This variant is classified as likely benign based on ACMG/AMP sequence variant interpretation guidelines (Richards et al. 2015 PMID: 25741868, with internal and published modifications).

NM_001282933.2(ZNF341):c.1248G>A (p.Ala416=)

Gene: ZNF341 (zinc finger protein 341; plus strand). Cytogenetic location: 20q11.22.
Variant type: single nucleotide variant.
Coding change: c.1248G>A on transcript NM_001282933.2 (MANE Select); coding-DNA position 1248, G replaced by A.
Protein change: p.Ala416=; no amino-acid change (alanine 416 retained).
Molecular consequence: synonymous variant. On other transcripts: non-coding transcript variant (1).
Genome position (GRCh38, 1-based): chr20:33,766,876, G>A. VCF-style: chr20-33766876-G-A. GRCh37 (hg19) VCF-style: chr20-32354682-G-A.
Other names: c.978G>A, p.Ala326= (NM_001282935.2); c.1227G>A, p.Ala409= (NM_032819.5); c.1248G>A (NM_001282933.1).
Identifiers: ClinVar variation 1627088 (VCV001627088.23), dbSNP rs146423849, ClinGen allele CA9819407.